The following is an entry in ClinVar:

NM_001292063.2(OTOG):c.2381G>A (p.Cys794Tyr)

Gene: OTOG (otogelin; plus strand). Cytogenetic location: 11p15.1.
Variant type: single nucleotide variant.
Coding change: c.2381G>A on transcript NM_001292063.2 (MANE Select); coding-DNA position 2381, G replaced by A.
Protein change: p.Cys794Tyr; replaces cysteine 794 with tyrosine.
Molecular consequence: missense variant.
Genome position (GRCh38, 1-based): chr11:17,574,807, G>A. VCF-style: chr11-17574807-G-A. GRCh37 (hg19) VCF-style: chr11-17596354-G-A.
Other names: c.2417G>A, p.Cys806Tyr (NM_001277269.2); short protein forms C794Y, C806Y.
Identifiers: ClinVar variation 3371702 (VCV003371702.2).

ClinVar aggregate classification (germline): Uncertain significance. Review status: criteria provided, multiple submitters, no conflicts (2 of 4 stars). 2 submissions from 2 submitters: Uncertain significance (2). Last evaluated 2026-02-04.

Conditions:
OTOG-related disorder. Also called: OTOG-related condition.

gnomAD v4.1: 6 of 1,550,508 alleles (0.00039%); highest among the groups gnomAD compares: Admixed American, 0.0059%; no homozygotes.

Submissions (2):

PreventionGenetics, part of Exact Sciences
Classification: Uncertain significance for OTOG-related condition. Last evaluated: 2026-02-04. Review status: criteria provided, single submitter. Criteria: ACMG Guidelines, 2015. Collection method: clinical testing. Allele origin: germline.
Comment: The OTOG c.2417G>A variant is predicted to result in the amino acid substitution p.Cys806Tyr. To our knowledge, this variant has not been reported in the literature. This variant is reported in 0.0041% of alleles in individuals of Latino descent in gnomAD. At this time, the clinical significance of this variant is uncertain due to the absence of conclusive functional and genetic evidence.

GeneDx
Classification: Uncertain significance. Last evaluated: 2024-04-05. Review status: criteria provided, single submitter. Criteria: GeneDx Variant Classification Process June 2021. Collection method: clinical testing. Allele origin: germline. Affected: yes.
Comment: Not observed at significant frequency in large population cohorts (gnomAD); In silico analysis supports that this missense variant has a deleterious effect on protein structure/function; Has not been previously published as pathogenic or benign to our knowledge